The following is an entry in ClinVar:

ClinVar aggregate classification (germline): Conflicting classifications of pathogenicity. Review status: criteria provided, conflicting classifications (1 of 4 stars). 2 submissions from 2 submitters: Likely pathogenic (1); Uncertain significance (1). Last evaluated 2024-03-14.

Conditions:
Developmental and epileptic encephalopathy, 42 (DEE42A). Also called: DEVELOPMENTAL AND EPILEPTIC ENCEPHALOPATHY 42A; EPILEPTIC ENCEPHALOPATHY, EARLY INFANTILE, 42A; Epileptic encephalopathy, early infantile, 42. Identifiers: MedGen C4310716, MONDO:0014917, OMIM 617106.
Episodic ataxia type 2 (EA2). Also called: ATAXIA, EPISODIC, WITH NYSTAGMUS; ATAXIA, FAMILIAL PAROXYSMAL; CEREBELLAR ATAXIA, PAROXYSMAL, ACETAZOLAMIDE-RESPONSIVE; CEREBELLOPATHY, HEREDITARY PAROXYSMAL; EPISODIC ATAXIA, NYSTAGMUS-ASSOCIATED; ACETAZOLAMIDE-RESPONSIVE HEREDITARY PAROXYSMAL CEREBELLAR ATAXIA. Identifiers: Orphanet 97, MedGen C1720416, MONDO:0007163, OMIM 108500.

Allele frequency attached by ClinVar (database versions not stated): gnomAD 0.00001.
gnomAD v4.1: 1 of 1,611,924 alleles (0.000062%); highest among the groups gnomAD compares: Non-Finnish European, 0.000085%; no homozygotes.

Submissions (2):

Blueprint Genetics
Classification: Uncertain significance. Last evaluated: 2024-03-14. Review status: criteria provided, single submitter. Criteria: ACMG Guidelines, 2015. Collection method: clinical testing. Allele origin: germline.

Labcorp Genetics (formerly Invitae), Labcorp
Classification: Likely pathogenic for Developmental and epileptic encephalopathy, 42; Episodic ataxia type 2. Last evaluated: 2023-04-06. Review status: criteria provided, single submitter. Criteria: Invitae Variant Classification Sherloc (09022015). Collection method: clinical testing. Allele origin: germline.
Comment: In summary, the currently available evidence indicates that the variant is pathogenic, but additional data are needed to prove that conclusively. Therefore, this variant has been classified as Likely Pathogenic. This variant disrupts the p.Arg1359 amino acid residue in CACNA1A. Other variant(s) that disrupt this residue have been determined to be pathogenic (PMID: 24091540, 33349592). This suggests that this residue is clinically significant, and that variants that disrupt this residue are likely to be disease-causing. Advanced modeling of protein sequence and biophysical properties (such as structural, functional, and spatial information, amino acid conservation, physicochemical variation, residue mobility, and thermodynamic stability) performed at Invitae indicates that this missense variant is expected to disrupt CACNA1A protein function. This variant has not been reported in the literature in individuals affected with CACNA1A-related conditions. This variant is present in population databases (no rsID available, gnomAD 0.007%). This sequence change replaces arginine, which is basic and polar, with glutamine, which is neutral and polar, at codon 1359 of the CACNA1A protein (p.Arg1359Gln).

Literature cited by the submitters: PubMed 24091540 (cited by Labcorp Genetics (formerly Invitae), Labcorp); PubMed 33349592 (cited by Labcorp Genetics (formerly Invitae), Labcorp).

NM_001127222.2(CACNA1A):c.4073G>A (p.Arg1358Gln)

Gene: CACNA1A (calcium voltage-gated channel subunit alpha1 A; minus strand). Cytogenetic location: 19p13.13.
Variant type: single nucleotide variant.
Coding change: c.4073G>A on transcript NM_001127222.2 (MANE Select); coding-DNA position 4073, G replaced by A.
Protein change: p.Arg1358Gln; replaces arginine 1358 with glutamine.
Molecular consequence: missense variant.
Genome position (GRCh38, 1-based): chr19:13,262,750, C>T on the plus strand (G>A on the coding strand, the complement: CACNA1A is on the minus strand). VCF-style: chr19-13262750-C-T. GRCh37 (hg19) VCF-style: chr19-13373564-C-T.
Other names: c.4085G>A, p.Arg1362Gln (NM_000068.4, NM_023035.3); c.4076G>A, p.Arg1359Gln (NM_001127221.2, NM_001174080.2); short protein forms R1358Q, R1359Q, R1362Q.
Identifiers: ClinVar variation 2924641 (VCV002924641.4), dbSNP rs1202610727, ClinGen allele CA404339942.
Genomic context (GRCh38, chr19:13,262,750, plus strand): 5'-CCTGACAGTCCCCCCCACCGCACCCCACCATCTCCCAATCTCACCTTGAGCTTTGGCAGC[C>T]GCTTGATGGTTTTAAGAGGTCGTAGCACCCGGAGGACTCGGAGGGATTTAATCGTGTTGA-3'
Protein context (NP_001120694.1, residues 1348-1368): RVLRPLKTIK[Arg1358Gln]LPKLKAVFDC